The following is an entry in ClinVar:

ClinVar aggregate classification (germline): Uncertain significance (1 of 4 stars; one submission).

Conditions:
Type A2 brachydactyly (BDA2). Also called: MOHR-WRIEDT TYPE BRACHYDACTYLY; BRACHYMESOPHALANGY II; Brachymesophalangy type 2. Identifiers: Orphanet 93396, MedGen C1832702, MONDO:0007216, OMIM 112600, HP:0009372.
Acromesomelic dysplasia 3 (AMD3). Also called: CHONDRODYSPLASIA, ACROMESOMELIC, WITH OR WITHOUT GENITAL ANOMALIES; Acromesomelic dysplasia, Demirhan type. Identifiers: MedGen C4225404, MONDO:0012274, OMIM 609441.

Allele frequency attached by ClinVar (database versions not stated): gnomAD 0.00001; ExAC 0.00002; TOPMed 0.00002.
gnomAD v4.1: 19 of 1,613,726 alleles (0.0012%); highest among the groups gnomAD compares: South Asian, 0.0088%; no homozygotes.

Submission:

Labcorp Genetics (formerly Invitae), Labcorp
Classification: Uncertain significance for Type A2 brachydactyly; Acromesomelic dysplasia 3. Last evaluated: 2023-02-26. Review status: criteria provided, single submitter. Criteria: Invitae Variant Classification Sherloc (09022015). Collection method: clinical testing. Allele origin: germline.
Comment: In summary, the available evidence is currently insufficient to determine the role of this variant in disease. Therefore, it has been classified as a Variant of Uncertain Significance. Advanced modeling of protein sequence and biophysical properties (such as structural, functional, and spatial information, amino acid conservation, physicochemical variation, residue mobility, and thermodynamic stability) performed at Invitae indicates that this missense variant is not expected to disrupt BMPR1B protein function. This variant has not been reported in the literature in individuals affected with BMPR1B-related conditions. This variant is present in population databases (rs771747962, gnomAD 0.006%). This sequence change replaces leucine, which is neutral and non-polar, with proline, which is neutral and non-polar, at codon 176 of the BMPR1B protein (p.Leu176Pro).

NM_001203.3(BMPR1B):c.527T>C (p.Leu176Pro)

Gene: BMPR1B (bone morphogenetic protein receptor type 1B; plus strand). Cytogenetic location: 4q22.3.
Variant type: single nucleotide variant.
Coding change: c.527T>C on transcript NM_001203.3 (MANE Select); coding-DNA position 527, T replaced by C.
Protein change: p.Leu176Pro; replaces leucine 176 with proline.
Molecular consequence: missense variant.
Genome position (GRCh38, 1-based): chr4:95,125,063, T>C. VCF-style: chr4-95125063-T-C. GRCh37 (hg19) VCF-style: chr4-96046214-T-C.
Other names: c.527T>C, p.Leu176Pro (NM_001256792.2, NM_001256794.1); c.617T>C, p.Leu206Pro (NM_001256793.2); short protein forms L176P, L206P.
Identifiers: ClinVar variation 2936323 (VCV002936323.3), dbSNP rs771747962, ClinGen allele CA3015013.